The following is an entry in ClinVar:

NM_001267550.2(TTN):c.93573T>C (p.Asp31191=)

Genes: TTN (titin; minus strand), TTN-AS1 (TTN antisense RNA 1; plus strand). Cytogenetic location: 2q31.2.
Variant type: single nucleotide variant.
Coding change: c.93573T>C on transcript NM_001267550.2 (MANE Select); coding-DNA position 93573, T replaced by C.
Protein change: p.Asp31191=; no amino-acid change (aspartic acid 31191 retained).
Molecular consequence: synonymous variant.
Genome position (GRCh38, 1-based): chr2:178,548,053, A>G on the plus strand (T>C on the coding strand, the complement: TTN is on the minus strand). VCF-style: chr2-178548053-A-G. GRCh37 (hg19) VCF-style: chr2-179412780-A-G.
Other names: c.88650T>C, p.Asp29550= (NM_001256850.1); c.66378T>C, p.Asp22126= (NM_003319.4); c.85869T>C, p.Asp28623= (NM_133378.4); c.66753T>C, p.Asp22251= (NM_133432.3); c.66954T>C, p.Asp22318= (NM_133437.4).
Identifiers: ClinVar variation 515705 (VCV000515705.8), dbSNP rs965506398, ClinGen allele CA430243464.
Genomic context (GRCh38, chr2:178,548,053, plus strand): 5'-GATTTGAGGCTCCTTAATGATGACAGAAGAGAAGGCTTCTCTGGGTTCACTATAGCCAGC[A>G]TCATTCTTGGCCTTCACACGGAATTCATATTCAGTTTTCTCAACAAGACGCTCTACTGTG-3'
Protein context (NP_001254479.2, residues 31181-31201): EYEFRVKAKN[Asp31191=]AGYSEPREAF

ClinVar aggregate classification (germline): Likely benign. Review status: criteria provided, multiple submitters, no conflicts (2 of 4 stars). 3 submissions from 3 submitters: Likely benign (3). Last evaluated 2025-08-12.

Conditions:
Cardiovascular phenotype. Identifiers: MedGen CN230736.
Autosomal recessive limb-girdle muscular dystrophy type 2J (LGMDR10). Also called: MUSCULAR DYSTROPHY, LIMB-GIRDLE, AUTOSOMAL RECESSIVE 10; Limb-girdle muscular dystrophy, type 2J. Identifiers: Orphanet 140922, MedGen C1837342, MONDO:0012127, OMIM 608807.
Dilated cardiomyopathy 1G (CMD1G). Identifiers: Orphanet 154, MedGen C1858763, MONDO:0011400, OMIM 604145.

Allele frequency attached by ClinVar (database versions not stated): gnomAD 0.00001.
gnomAD v4.1: 2 of 1,613,780 alleles (0.00012%); highest among the groups gnomAD compares: Admixed American, 0.0017%; no homozygotes.

Submissions (3):

Labcorp Genetics (formerly Invitae), Labcorp
Classification: Likely benign for Dilated cardiomyopathy 1G; Autosomal recessive limb-girdle muscular dystrophy type 2J. Last evaluated: 2025-08-12. Review status: criteria provided, single submitter. Criteria: Invitae Variant Classification Sherloc (09022015). Collection method: clinical testing. Allele origin: germline.

Ambry Genetics
Classification: Likely benign for Cardiovascular phenotype. Last evaluated: 2020-06-09. Review status: criteria provided, single submitter. Criteria: Ambry Variant Classification Scheme 2023. Collection method: clinical testing. Allele origin: germline.

GeneDx
Classification: Likely benign. Last evaluated: 2018-02-22. Review status: criteria provided, single submitter. Criteria: GeneDx Variant Classification (06012015). Collection method: clinical testing. Allele origin: germline. Affected: yes.
Comment: This variant is considered likely benign or benign based on one or more of the following criteria: it is a conservative change, it occurs at a poorly conserved position in the protein, it is predicted to be benign by multiple in silico algorithms, and/or has population frequency not consistent with disease.